The following is an entry in ClinVar:

NM_002968.3(SALL1):c.2928C>T (p.His976=)

Gene: SALL1 (spalt like transcription factor 1; minus strand). Cytogenetic location: 16q12.1.
Variant type: single nucleotide variant.
Coding change: c.2928C>T on transcript NM_002968.3 (MANE Select); coding-DNA position 2928, C replaced by T.
Protein change: p.His976=; no amino-acid change (histidine 976 retained).
Molecular consequence: synonymous variant.
Genome position (GRCh38, 1-based): chr16:51,139,294, G>A on the plus strand (C>T on the coding strand, the complement: SALL1 is on the minus strand). VCF-style: chr16-51139294-G-A. GRCh37 (hg19) VCF-style: chr16-51173205-G-A.
Other names: c.2637C>T, p.His879= (NM_001127892.2).
Identifiers: ClinVar variation 3033708 (VCV003033708.3), dbSNP rs530363077, ClinGen allele CA8053014.

ClinVar aggregate classification (germline): Likely benign. Review status: criteria provided, single submitter (1 of 4 stars). 2 submissions from 2 submitters: Likely benign (1). 1 of the submissions does not count toward it. Last evaluated 2025-11-24.

Conditions:
SALL1-related disorder. Also called: SALL1-related condition.

Allele frequency attached by ClinVar (database versions not stated): ExAC 0.00005; TOPMed 0.00005; gnomAD 0.00006; 1000 Genomes Project 0.00020; 1000 Genomes Project 30x 0.00031.
gnomAD v4.1: 79 of 1,614,126 alleles (0.0049%); highest among the groups gnomAD compares: East Asian, 0.049%; no homozygotes.

Submissions (2):

Women's Health and Genetics/Laboratory Corporation of America, LabCorp
Classification: Likely benign. Last evaluated: 2025-11-24. Review status: criteria provided, single submitter. Criteria: LabCorp Variant Classification Summary - May 2015. Collection method: clinical testing. Allele origin: germline.

PreventionGenetics, part of Exact Sciences
Classification: Likely benign for SALL1-related condition. Last evaluated: 2024-08-24. Review status: no assertion criteria provided. Collection method: clinical testing. Allele origin: germline. Not counted in ClinVar's aggregate classification.
Comment: This variant is classified as likely benign based on ACMG/AMP sequence variant interpretation guidelines (Richards et al. 2015 PMID: 25741868, with internal and published modifications).